The following is an entry in ClinVar:

ClinVar aggregate classification (germline): Uncertain significance (1 of 4 stars; one submission).

gnomAD v4.1: 1 of 1,614,192 alleles (0.000062%); highest among the groups gnomAD compares: East Asian, 0.0022%; no homozygotes.

Submission:

Labcorp Genetics (formerly Invitae), Labcorp
Classification: Uncertain significance. Last evaluated: 2025-12-17. Review status: criteria provided, single submitter. Criteria: Invitae Variant Classification Sherloc (09022015). Collection method: clinical testing. Allele origin: germline.
Comment: This sequence change replaces proline, which is neutral and non-polar, with threonine, which is neutral and polar, at codon 302 of the NFE2L2 protein (p.Pro302Thr). This variant is present in population databases (rs770847907, gnomAD 0.006%). This variant has not been reported in the literature in individuals affected with NFE2L2-related conditions. Invitae Evidence Modeling of protein sequence and biophysical properties (such as structural, functional, and spatial information, amino acid conservation, physicochemical variation, residue mobility, and thermodynamic stability) indicates that this missense variant is not expected to disrupt NFE2L2 protein function with a negative predictive value of 80%. In summary, the available evidence is currently insufficient to determine the role of this variant in disease. Therefore, it has been classified as a Variant of Uncertain Significance.

NM_006164.5(NFE2L2):c.904C>A (p.Pro302Thr)

Gene: NFE2L2 (NFE2 like bZIP transcription factor 2; minus strand). Cytogenetic location: 2q31.2.
Variant type: single nucleotide variant.
Coding change: c.904C>A on transcript NM_006164.5 (MANE Select); coding-DNA position 904, C replaced by A.
Protein change: p.Pro302Thr; replaces proline 302 with threonine.
Molecular consequence: missense variant.
Genome position (GRCh38, 1-based): chr2:177,231,699, G>T on the plus strand (C>A on the coding strand, the complement: NFE2L2 is on the minus strand). VCF-style: chr2-177231699-G-T. GRCh37 (hg19) VCF-style: chr2-178096427-G-T.
Other names: c.856C>A, p.Pro286Thr (NM_001145412.3, NM_001313900.1, NM_001313901.1); c.835C>A, p.Pro279Thr (NM_001145413.3); c.814C>A, p.Pro272Thr (NM_001313902.2); c.685C>A, p.Pro229Thr (NM_001313903.2); c.604C>A, p.Pro202Thr (NM_001313904.1); short protein forms P202T, P229T, P272T, P279T, P286T, P302T.
Identifiers: ClinVar variation 4810146 (VCV004810146.1).